The following is an entry in ClinVar:

ClinVar aggregate classification (germline): Pathogenic/Likely pathogenic. Review status: criteria provided, multiple submitters, no conflicts (2 of 4 stars). 3 submissions from 3 submitters: Pathogenic (1); Likely pathogenic (2). Last evaluated 2024-04-08.

Conditions:
Joubert syndrome. Also called: CEREBELLOPARENCHYMAL DISORDER IV; JOUBERT-BOLTSHAUSER SYNDROME; Familial aplasia of the vermis. Identifiers: Orphanet 475, MedGen C5979921, MONDO:0018772.
Nephronophthisis. Also called: Juvenile Nephronophthisis. Identifiers: Orphanet 655, MedGen C0687120, MONDO:0019005, HP:0000090.
Meckel-Gruber syndrome. Also called: DYSENCEPHALIA SPLANCHNOCYSTICA; GRUBER SYNDROME; Dysencephalia splachnocystica. Identifiers: Orphanet 564, MedGen C0265215, MONDO:0018921.
Senior-Loken syndrome 6 (SLSN6). Identifiers: Orphanet 3156, MedGen C1857779, MONDO:0012433, OMIM 610189.
Joubert syndrome 5 (JBTS5). Identifiers: Orphanet 2318, MedGen C1857780, MONDO:0012432, OMIM 610188.
Bardet-Biedl syndrome 14 (BBS14). Identifiers: Orphanet 110, MedGen C2673874, MONDO:0014442, OMIM 615991.
Leber congenital amaurosis 10 (LCA10). Identifiers: Orphanet 65, MedGen C1857821, MONDO:0012723, OMIM 611755.
Meckel syndrome, type 4 (MKS4). Also called: MECKEL-GRUBER SYNDROME, TYPE 4. Identifiers: Orphanet 564, MedGen C1970161, MONDO:0012626, OMIM 611134.

Submissions (3):

Fulgent Genetics
Classification: Likely pathogenic for Joubert syndrome 5; Senior-Loken syndrome 6; Meckel syndrome, type 4; Leber congenital amaurosis 10; Bardet-Biedl syndrome 14. Last evaluated: 2024-04-08. Review status: criteria provided, single submitter. Criteria: ACMG Guidelines, 2015. Collection method: clinical testing. Allele origin: germline.

Baylor Genetics
Classification: Likely pathogenic for Bardet-Biedl syndrome 14. Last evaluated: 2024-03-12. Review status: criteria provided, single submitter. Criteria: ACMG Guidelines, 2015. Collection method: clinical testing. Allele origin: unknown.

Labcorp Genetics (formerly Invitae), Labcorp
Classification: Pathogenic for Joubert syndrome; Meckel-Gruber syndrome; Nephronophthisis. Last evaluated: 2022-07-19. Review status: criteria provided, single submitter. Criteria: Invitae Variant Classification Sherloc (09022015). Collection method: clinical testing. Allele origin: germline.
Comment: For these reasons, this variant has been classified as Pathogenic. ClinVar contains an entry for this variant (Variation ID: 1381343). This variant has not been reported in the literature in individuals affected with CEP290-related conditions. This variant is present in population databases (no rsID available, gnomAD 0.003%). This sequence change creates a premature translational stop signal (p.Asp1580Thrfs*9) in the CEP290 gene. It is expected to result in an absent or disrupted protein product. Loss-of-function variants in CEP290 are known to be pathogenic (PMID: 16909394, 17345604, 20690115).

Literature cited by the submitters: PubMed 16909394 (cited by Labcorp Genetics (formerly Invitae), Labcorp); PubMed 17345604 (cited by Labcorp Genetics (formerly Invitae), Labcorp); PubMed 20690115 (cited by Labcorp Genetics (formerly Invitae), Labcorp).

NM_025114.4(CEP290):c.4737del (p.Asp1580fs)

Gene: CEP290 (centrosomal protein 290; minus strand). Cytogenetic location: 12q21.32.
Variant type: Deletion.
Coding change: c.4737del on transcript NM_025114.4 (MANE Select); coding-DNA position 4737, one base deleted (A; older notation c.4737delA).
Protein change: p.Asp1580fs; shifts the reading frame from aspartic acid 1580.
Molecular consequence: frameshift variant.
Genome position (GRCh38, 1-based): chr12:88,083,922, T deleted on the plus strand (A on the coding strand, the reverse complement: CEP290 is on the minus strand); the first of 2 consecutive T bases (chr12:88,083,922-88,083,923); deleting either gives the same sequence. VCF-style (leftmost placement, unchanged base first): chr12-88083921-CT-C. GRCh37 (hg19) VCF-style: chr12-88477698-CT-C.
Other names: short protein forms D1580fs.
Identifiers: ClinVar variation 1381343 (VCV001381343.8), dbSNP rs1304430926, ClinGen allele CA606454579.